The following is an entry in ClinVar:

ClinVar aggregate classification (germline): Likely benign (0 of 4 stars; one submission).

Conditions:
ARID5B-related disorder. Also called: ARID5B-related condition.

Allele frequency attached by ClinVar (database versions not stated): TOPMed 0.00005; gnomAD 0.00017.

Submission:

PreventionGenetics, part of Exact Sciences
Classification: Likely benign for ARID5B-related condition. Last evaluated: 2019-08-10. Review status: no assertion criteria provided. Collection method: clinical testing. Allele origin: germline.
Comment: This variant is classified as likely benign based on ACMG/AMP sequence variant interpretation guidelines (Richards et al. 2015 PMID: 25741868, with internal and published modifications).

NM_032199.3(ARID5B):c.2235G>A (p.Ala745=)

Gene: ARID5B (AT-rich interaction domain 5B; plus strand). Cytogenetic location: 10q21.2.
Variant type: single nucleotide variant.
Coding change: c.2235G>A on transcript NM_032199.3 (MANE Select); coding-DNA position 2235, G replaced by A.
Protein change: p.Ala745=; no amino-acid change (alanine 745 retained).
Molecular consequence: synonymous variant.
Genome position (GRCh38, 1-based): chr10:62,091,698, G>A. VCF-style: chr10-62091698-G-A. GRCh37 (hg19) VCF-style: chr10-63851457-G-A.
Other names: c.1506G>A, p.Ala502= (NM_001244638.2).
Identifiers: ClinVar variation 3035588 (VCV003035588.2), dbSNP rs535896705, ClinGen allele CA5515462.
Genomic context (GRCh38, chr10:62,091,698, plus strand): 5'-GGATGACTTGTGTTCCAGTTTGTCCCAGACCCACCATGGCCAAAGCACTGACCATATGGC[G>A]GTCAGCCGGCCATCAGTGATTCAGCACGTCCAGAGTTTCAGAAGCAAGCCCTCGGAAGAG-3'
Protein context (NP_115575.1, residues 735-755): THHGQSTDHM[Ala745=]VSRPSVIQHV